The following is an entry in ClinVar:

ClinVar aggregate classification (germline): Uncertain significance (1 of 4 stars; one submission).

Conditions:
Vici syndrome (VICIS). Identifiers: Orphanet 1493, MedGen C1855772, MONDO:0009452, OMIM 242840.

Allele frequency attached by ClinVar (database versions not stated): TOPMed 0.00002; ExAC 0.00003; gnomAD 0.00003 and 0.00004; gnomAD exomes 0.00004 and 0.00006; ESP Exome Variant Server 0.00008.
gnomAD v4.1: 91 of 1,613,506 alleles (0.0056%); highest among the groups gnomAD compares: Non-Finnish European, 0.0071%; no homozygotes.

Submission:

Labcorp Genetics (formerly Invitae), Labcorp
Classification: Uncertain significance for Vici syndrome. Last evaluated: 2022-06-08. Review status: criteria provided, single submitter. Criteria: Invitae Variant Classification Sherloc (09022015). Collection method: clinical testing. Allele origin: germline.
Comment: This sequence change replaces tyrosine, which is neutral and polar, with histidine, which is basic and polar, at codon 162 of the EPG5 protein (p.Tyr162His). This variant is present in population databases (rs371755239, gnomAD 0.01%). This variant has not been reported in the literature in individuals affected with EPG5-related conditions. ClinVar contains an entry for this variant (Variation ID: 964691). Algorithms developed to predict the effect of missense changes on protein structure and function output the following: SIFT: "Tolerated"; PolyPhen-2: "Benign"; Align-GVGD: "Class C0". The histidine amino acid residue is found in multiple mammalian species, which suggests that this missense change does not adversely affect protein function. In summary, the available evidence is currently insufficient to determine the role of this variant in disease. Therefore, it has been classified as a Variant of Uncertain Significance.

NM_020964.3(EPG5):c.484T>C (p.Tyr162His)

Gene: EPG5 (ectopic P-granules 5 autophagy tethering factor; minus strand). Cytogenetic location: 18q21.1.
Variant type: single nucleotide variant.
Coding change: c.484T>C on transcript NM_020964.3 (MANE Select); coding-DNA position 484, T replaced by C.
Protein change: p.Tyr162His; replaces tyrosine 162 with histidine.
Molecular consequence: missense variant.
Genome position (GRCh38, 1-based): chr18:45,954,918, A>G on the plus strand (T>C on the coding strand, the complement: EPG5 is on the minus strand). VCF-style: chr18-45954918-A-G. GRCh37 (hg19) VCF-style: chr18-43534884-A-G.
Other names: short protein forms Y162H.
Identifiers: ClinVar variation 964691 (VCV000964691.6), dbSNP rs371755239, ClinGen allele CA8949939.